The following is an entry in ClinVar:

ClinVar aggregate classification (germline): Benign (1 of 4 stars; one submission).

Allele frequency attached by ClinVar (database versions not stated): gnomAD 0.73909 and 0.73915; TOPMed 0.74053; 1000 Genomes Project 30x 0.78795; 1000 Genomes Project 0.78934.

Submission:

GeneDx
Classification: Benign. Last evaluated: 2018-06-18. Review status: criteria provided, single submitter. Criteria: GeneDx Variant Classification (06012015). Collection method: clinical testing. Allele origin: germline. Affected: yes.
Comment: This variant is considered likely benign or benign based on one or more of the following criteria: it is a conservative change, it occurs at a poorly conserved position in the protein, it is predicted to be benign by multiple in silico algorithms, and/or has population frequency not consistent with disease.

NM_001165963.4(SCN1A):c.2043+301C>T

Gene: SCN1A (sodium voltage-gated channel alpha subunit 1; minus strand). Cytogenetic location: 2q24.3.
Variant type: single nucleotide variant.
Coding change: c.2043+301C>T on transcript NM_001165963.4 (MANE Select); 301 bases into the intron after coding-DNA position 2043, C replaced by T.
Molecular consequence: intron variant.
Genome position (GRCh38, 1-based): chr2:166,043,368, G>A on the plus strand (C>T on the coding strand, the complement: SCN1A is on the minus strand). VCF-style: chr2-166043368-G-A. GRCh37 (hg19) VCF-style: chr2-166899878-G-A.
Other names: c.2010+334C>T (NM_001353949.2, NM_001353950.2, NM_001353951.2 and 2 more transcripts); c.1959+385C>T (NM_001353958.2, NM_001353957.2, NM_001165964.3); c.2043+301C>T (NM_001202435.3, NM_001353948.2); c.2007+334C>T (NM_001353955.2, NM_001353954.2); c.1956+385C>T (NM_001353960.2); c.-416+334C>T (NM_001353961.2).
Identifiers: ClinVar variation 684225 (VCV000684225.1), dbSNP rs7574618, ClinGen allele CA15189366.